The following is an entry in ClinVar:

ClinVar aggregate classification (germline): Uncertain significance. Review status: criteria provided, multiple submitters, no conflicts (2 of 4 stars). 2 submissions from 2 submitters: Uncertain significance (2). Last evaluated 2021-08-30.

Allele frequency attached by ClinVar (database versions not stated): ExAC 0.00005; gnomAD exomes 0.00005 and 0.00006; gnomAD 0.00006 and 0.00007; TOPMed 0.00007; ESP Exome Variant Server 0.00008.
gnomAD v4.1: 87 of 1,613,762 alleles (0.0054%); highest among the groups gnomAD compares: Middle Eastern, 0.017%; 1 homozygote.

Submissions (2):

Labcorp Genetics (formerly Invitae), Labcorp
Classification: Uncertain significance. Last evaluated: 2021-08-30. Review status: criteria provided, single submitter. Criteria: Invitae Variant Classification Sherloc (09022015). Collection method: clinical testing. Allele origin: germline.
Comment: This sequence change replaces alanine with threonine at codon 47 of the GTF2H5 protein (p.Ala47Thr). The alanine residue is highly conserved and there is a small physicochemical difference between alanine and threonine. This variant is present in population databases (rs139277280, ExAC 0.009%). This variant has not been reported in the literature in individuals affected with GTF2H5-related conditions. Algorithms developed to predict the effect of missense changes on protein structure and function (SIFT, PolyPhen-2, Align-GVGD) all suggest that this variant is likely to be tolerated. In summary, the available evidence is currently insufficient to determine the role of this variant in disease. Therefore, it has been classified as a Variant of Uncertain Significance.

Breakthrough Genomics
Classification: Uncertain significance. Review status: criteria provided, single submitter. Criteria: ACMG Guidelines, 2015. Collection method: not provided. Allele origin: germline. Inheritance: Autosomal recessive inheritance. Affected: yes.

NM_207118.3(GTF2H5):c.139G>A (p.Ala47Thr)

Gene: GTF2H5 (general transcription factor IIH subunit 5; plus strand). Cytogenetic location: 6q25.3.
Variant type: single nucleotide variant.
Coding change: c.139G>A on transcript NM_207118.3 (MANE Select); coding-DNA position 139, G replaced by A.
Protein change: p.Ala47Thr; replaces alanine 47 with threonine.
Molecular consequence: missense variant.
Genome position (GRCh38, 1-based): chr6:158,192,080, G>A. VCF-style: chr6-158192080-G-A. GRCh37 (hg19) VCF-style: chr6-158613112-G-A.
Other names: short protein forms A47T.
Identifiers: ClinVar variation 1419300 (VCV001419300.6), dbSNP rs139277280, ClinGen allele CA4071610.